The following is an entry in ClinVar:

ClinVar aggregate classification (germline): Likely pathogenic (1 of 4 stars; one submission).

Conditions:
Epidermolysis bullosa dystrophica. Also called: Dystrophic epidermolysis bullosa, Hallopeau-Siemens type (formerly); Dystrophic epidermolysis bullosa. Identifiers: Orphanet 303, MedGen C0079294, MONDO:0006543.

Submission:

Natera, Inc.
Classification: Likely pathogenic for Dystrophic epidermolysis bullosa. Last evaluated: 2025-11-17. Review status: criteria provided, single submitter. Criteria: Natera Variant Classification Schema (03/2026). Collection method: clinical testing. Allele origin: germline.
Comment: The c.2588dup variant in COL7A1 is a frameshift variant predicted to shift the reading frame beginning at codon 864 and leads to a stop codon 2 codons downstream. This variant is expected to result in nonsense mediated decay, truncation, or a dysfunctional protein product. This variant is rare in the general population with a frequency below the threshold expected for the associated phenotype(s). Given the available evidence, this variant is classified as Likely Pathogenic.

NM_000094.4(COL7A1):c.2588dup (p.Pro864fs)

Gene: COL7A1 (collagen type VII alpha 1 chain; minus strand). Cytogenetic location: 3p21.31.
Variant type: Duplication.
Coding change: c.2588dup on transcript NM_000094.4 (MANE Select); coding-DNA position 2588, one base duplicated (C; older notation c.2588dupC).
Protein change: p.Pro864fs; shifts the reading frame from proline 864.
Molecular consequence: frameshift variant.
Genome position (GRCh38, 1-based): chr3:48,588,404, G duplicated on the plus strand (C on the coding strand, the reverse complement: COL7A1 is on the minus strand). VCF-style (leftmost placement, unchanged base first): chr3-48588403-C-CG. GRCh37 (hg19) VCF-style: chr3-48625836-C-CG.
Other names: short protein forms P864fs.
Identifiers: ClinVar variation 4817365 (VCV004817365.1).
Genomic context (GRCh38, chr3:48,588,403, plus strand): 5'-CAGCGAGTGCTCCCCGCGCTGCACCACGTGAAGCGTCCCCAGGGCTGGCGGAGCCTCAGG[C>CG]GCTGGAGAGAAAGCTCAGGAATCAGGGAGGCTCTGCCCCCATGGCCCCTGCACCAATCCC-3'